The following is an entry in ClinVar:

NM_020381.4(PDSS2):c.79C>T (p.Pro27Ser)

Gene: PDSS2 (decaprenyl diphosphate synthase subunit 2; minus strand). Cytogenetic location: 6q21.
Variant type: single nucleotide variant.
Coding change: c.79C>T on transcript NM_020381.4 (MANE Select); coding-DNA position 79, C replaced by T.
Protein change: p.Pro27Ser; replaces proline 27 with serine.
Molecular consequence: missense variant.
Genome position (GRCh38, 1-based): chr6:107,459,207, G>A on the plus strand (C>T on the coding strand, the complement: PDSS2 is on the minus strand). VCF-style: chr6-107459207-G-A. GRCh37 (hg19) VCF-style: chr6-107780411-G-A.
Other names: short protein forms P27S.
Identifiers: ClinVar variation 214990 (VCV000214990.5), dbSNP rs755671694, ClinGen allele CA322206.

ClinVar aggregate classification (germline): Conflicting classifications of pathogenicity. Review status: criteria provided, conflicting classifications (1 of 4 stars). 2 submissions from 2 submitters: Uncertain significance (1); Likely benign (1). Last evaluated 2022-07-14.

Allele frequency attached by ClinVar (database versions not stated): gnomAD exomes below 0.00001; TOPMed below 0.00001; ExAC 0.00001; gnomAD 0.00001.
gnomAD v4.1: 3 of 1,613,984 alleles (0.00019%); highest among the groups gnomAD compares: East Asian, 0.0022%; no homozygotes.

Submissions (2):

Labcorp Genetics (formerly Invitae), Labcorp
Classification: Uncertain significance. Last evaluated: 2022-07-14. Review status: criteria provided, single submitter. Criteria: Invitae Variant Classification Sherloc (09022015). Collection method: clinical testing. Allele origin: germline.
Comment: This sequence change replaces proline, which is neutral and non-polar, with serine, which is neutral and polar, at codon 27 of the PDSS2 protein (p.Pro27Ser). This variant is present in population databases (rs755671694, gnomAD 0.006%). This variant has not been reported in the literature in individuals affected with PDSS2-related conditions. ClinVar contains an entry for this variant (Variation ID: 214990). Algorithms developed to predict the effect of missense changes on protein structure and function output the following: SIFT: "Tolerated"; PolyPhen-2: "Benign"; Align-GVGD: "Class C0". The serine amino acid residue is found in multiple mammalian species, which suggests that this missense change does not adversely affect protein function. In summary, the available evidence is currently insufficient to determine the role of this variant in disease. Therefore, it has been classified as a Variant of Uncertain Significance.

GeneDx
Classification: Likely benign. Last evaluated: 2012-08-08. Review status: criteria provided, single submitter. Criteria: GeneDx Variant Classification (06012015). Collection method: clinical testing. Allele origin: germline. Affected: yes.
Comment: This variant is considered likely benign or benign based on one or more of the following criteria: it is a conservative change, it occurs at a poorly conserved position in the protein, it is predicted to be benign by multiple in silico algorithms, and/or has population frequency not consistent with disease.